The following is an entry in ClinVar:

NM_002691.4(POLD1):c.1295G>A (p.Arg432Gln)

Gene: POLD1 (DNA polymerase delta 1, catalytic subunit; plus strand). Cytogenetic location: 19q13.33.
Variant type: single nucleotide variant.
Coding change: c.1295G>A on transcript NM_002691.4 (MANE Select); coding-DNA position 1295, G replaced by A.
Protein change: p.Arg432Gln; replaces arginine 432 with glutamine.
Molecular consequence: missense variant. On other transcripts: non-coding transcript variant (1).
Genome position (GRCh38, 1-based): chr19:50,406,234, G>A. VCF-style: chr19-50406234-G-A. GRCh37 (hg19) VCF-style: chr19-50909491-G-A.
Other names: c.1295G>A, p.Arg432Gln (NM_001256849.1, NM_001308632.1); short protein forms R432Q.
Identifiers: ClinVar variation 239228 (VCV000239228.32), dbSNP rs139557851, ClinGen allele CA9596103.

ClinVar aggregate classification (germline): Conflicting classifications of pathogenicity. Review status: criteria provided, conflicting classifications (1 of 4 stars). 10 submissions from 10 submitters: Uncertain significance (9); Likely benign (1). Last evaluated 2026-03-16.

Conditions:
POLD1-related polyposis and colorectal cancer syndrome (CRCS10). Also called: COLORECTAL CANCER, SUSCEPTIBILITY TO, ON CHROMOSOME 19q; Colorectal cancer 10; Colorectal cancer, susceptibility to, 10. Identifiers: Orphanet 220460, MedGen C2675481, MONDO:0012953, OMIM 612591.
Immunodeficiency 120. Identifiers: MedGen C5935622, MONDO:0970994, OMIM 620836.
Mandibular hypoplasia-deafness-progeroid syndrome. Also called: Mandibular hypoplasia, deafness, progeroid features, and lipodystrophy syndrome. Identifiers: Orphanet 363649, MedGen C3715192, MONDO:0014157, OMIM 615381.
Hereditary cancer-predisposing syndrome. Also called: Hereditary Cancer Syndrome; Neoplastic Syndromes, Hereditary; Hereditary neoplastic syndrome; Tumor predisposition. Identifiers: Orphanet 140162, MedGen C0027672, MeSH D009386, MONDO:0015356.

Allele frequency attached by ClinVar (database versions not stated): ExAC 0.00002; gnomAD exomes 0.00002; gnomAD 0.00004 and 0.00005; TOPMed 0.00004; ESP Exome Variant Server 0.00008.
gnomAD v4.1: 31 of 1,613,810 alleles (0.0019%); highest among the groups gnomAD compares: Middle Eastern, 0.016%; no homozygotes.

Submissions (10):

Dasa
Classification: Uncertain significance. Last evaluated: 2026-03-16. Review status: criteria provided, single submitter. Criteria: DASA Assertion Criteria. Collection method: clinical testing. Allele origin: germline.
Comment: NM_002691.4(POLD1):c.1295G>A (p.Arg432Gln) is a missense variant that results in the substitution of arginine with glutamine. This variant is rare in population databases. Computational prediction algorithms are consistent with a benign effect. The currently available literature and clinical evidence are not sufficient to establish a definitive association between this variant and the reported condition. Therefore, this variant is classified as a variant of uncertain significance.

Labcorp Genetics (formerly Invitae), Labcorp
Classification: Uncertain significance for POLD1-related polyposis and colorectal cancer syndrome. Last evaluated: 2026-01-20. Review status: criteria provided, single submitter. Criteria: Invitae Variant Classification Sherloc (09022015). Collection method: clinical testing. Allele origin: germline.
Comment: This sequence change replaces arginine, which is basic and polar, with glutamine, which is neutral and polar, at codon 432 of the POLD1 protein (p.Arg432Gln). This variant is present in population databases (rs139557851, gnomAD 0.004%). This variant has not been reported in the literature in individuals affected with POLD1-related conditions. ClinVar contains an entry for this variant (Variation ID: 239228). Invitae Evidence Modeling of protein sequence and biophysical properties (such as structural, functional, and spatial information, amino acid conservation, physicochemical variation, residue mobility, and thermodynamic stability) indicates that this missense variant is not expected to disrupt POLD1 protein function with a negative predictive value of 80%. RNA analysis performed to evaluate the impact of this missense change on mRNA splicing indicates it does not significantly alter splicing (internal data). In summary, the available evidence is currently insufficient to determine the role of this variant in disease. Therefore, it has been classified as a Variant of Uncertain Significance.

GeneDx
Classification: Uncertain significance. Last evaluated: 2024-05-17. Review status: criteria provided, single submitter. Criteria: GeneDx Variant Classification Process June 2021. Collection method: clinical testing. Allele origin: germline. Affected: yes.
Comment: In silico analysis supports that this missense variant does not alter protein structure/function; Not observed in any colorectal cancer or polyposis cases, but was seen in unaffected controls (PMID: 30267214); This variant is associated with the following publications: (PMID: 28481359, 20951805, 30267214)

Fulgent Genetics
Classification: Uncertain significance for POLD1-related polyposis and colorectal cancer syndrome; Mandibular hypoplasia-deafness-progeroid syndrome; Immunodeficiency 120. Last evaluated: 2024-02-29. Review status: criteria provided, single submitter. Criteria: ACMG Guidelines, 2015. Collection method: clinical testing. Allele origin: germline.

Ambry Genetics
Classification: Likely benign for Hereditary cancer-predisposing syndrome. Last evaluated: 2024-01-08. Review status: criteria provided, single submitter. Criteria: Ambry Variant Classification Scheme 2023. Collection method: clinical testing. Allele origin: germline.

Baylor Genetics
Classification: Uncertain significance for POLD1-related polyposis and colorectal cancer syndrome. Last evaluated: 2023-12-27. Review status: criteria provided, single submitter. Criteria: ACMG Guidelines, 2015. Collection method: clinical testing. Allele origin: unknown.

Quest Diagnostics Nichols Institute San Juan Capistrano
Classification: Uncertain significance. Last evaluated: 2023-07-19. Review status: criteria provided, single submitter. Criteria: Quest Diagnostics criteria. Collection method: clinical testing. Allele origin: unknown.
Comment: This variant has not been reported in individuals affected with a POLD1 related disease in the published literature. The frequency of this variant in the general population, 0.000044 (5/113696 chromosomes (Genome Aggregation Database)), is uninformative in the assessment of its pathogenicity. Analysis of this variant using bioinformatics tools for the prediction of the effect of amino acid changes on protein structure and function yielded conflicting predictions that this variant is benign or damaging. Additional analysis using software algorithms for the prediction of the effect of nucleotide changes on POLD1 mRNA splicing yielded predictions that this variant may result in the gain of a cryptic splice site without affecting the natural splice sites . Based on the available information, we are unable to determine the clinical significance of this variant.

St. Jude Molecular Pathology, St. Jude Children's Research Hospital
Classification: Uncertain significance for POLD1-related polyposis and colorectal cancer syndrome. Last evaluated: 2023-03-08. Review status: criteria provided, single submitter. Criteria: St. Jude Assertion Criteria 2020. Collection method: clinical testing. Allele origin: germline.
Comment: The POLD1 c.1295G>A (p.Arg432Gln) missense change has a maximum subpopulation frequency of 0.016% in gnomAD v2.1.1. The in silico tool REVEL predicts a benign effect on protein function, but to our knowledge this prediction has not been confirmed by functional studies. To our knowledge, this variant has not been reported in the literature in individuals with POLD1-related disease. In summary, the evidence currently available is insufficient to determine the clinical significance of this variant. It has therefore been classified as of uncertain significance.

Department of Pathology and Laboratory Medicine, Sinai Health System
Classification: Uncertain significance for POLD1-related polyposis and colorectal cancer syndrome. Last evaluated: 2022-12-08. Review status: criteria provided, single submitter. Criteria: ACMG Guidelines, 2015. Collection method: clinical testing. Allele origin: germline. Affected: yes.

Institute for Clinical Genetics, University Hospital TU Dresden, University Hospital TU Dresden
Classification: Uncertain significance. Last evaluated: 2021-11-03. Review status: criteria provided, single submitter. Criteria: ACMG Guidelines, 2015. Collection method: clinical testing. Allele origin: germline.

Literature cited by the submitters: PubMed 30267214 (cited by Ambry Genetics and Quest Diagnostics Nichols Institute San Juan Capistrano).